The following is an entry in ClinVar:

NM_000123.4(ERCC5):c.2705del (p.Asn902fs)

Genes: BIVM-ERCC5 (BIVM-ERCC5 readthrough; plus strand), ERCC5 (ERCC excision repair 5, endonuclease; plus strand). Cytogenetic location: 13q33.1.
Variant type: Deletion.
Coding change: c.2705del on transcript NM_000123.4 (MANE Select); coding-DNA position 2705, one base deleted (A; older notation c.2705delA).
Protein change: p.Asn902fs; shifts the reading frame from asparagine 902.
Molecular consequence: frameshift variant.
Genome position (GRCh38, 1-based): chr13:102,872,224, A deleted; the last of 7 consecutive A bases (chr13:102,872,218-102,872,224); deleting any one gives the same sequence. VCF-style (leftmost placement, unchanged base first): chr13-102872217-CA-C. GRCh37 (hg19) VCF-style: chr13-103524567-CA-C.
Other names: c.4067del, p.Asn1356fs (NM_001204425.2); short protein forms N1356fs, N902fs.
Identifiers: ClinVar variation 1723328 (VCV001723328.1), dbSNP rs759551120, ClinGen allele CA2580087050.

ClinVar aggregate classification (germline): Likely pathogenic (1 of 4 stars; one submission).

Conditions:
Cerebrooculofacioskeletal syndrome 3 (COFS3). Identifiers: MedGen C1851443, MONDO:0014696, OMIM 616570.

Submission:

Women's Health and Genetics/Laboratory Corporation of America, LabCorp
Classification: Likely pathogenic for Cerebrooculofacioskeletal syndrome 3. Last evaluated: 2022-10-03. Review status: criteria provided, single submitter. Criteria: LabCorp Variant Classification Summary - May 2015. Collection method: clinical testing. Allele origin: germline.
Comment: Variant summary: ERCC5 c.2705delA (p.Asn902IlefsX4) results in a premature termination codon, predicted to cause a truncation of the encoded protein or absence of the protein due to nonsense mediated decay, which are commonly known mechanisms for disease. Truncations downstream of this position have been classified as pathogenic by our laboratory. The variant was absent in 251132 control chromosomes (gnomAD). To our knowledge, no occurrence of c.2705delA in individuals affected with ERCC5-Related Disorders and no experimental evidence demonstrating its impact on protein function have been reported. No clinical diagnostic laboratories have submitted clinical-significance assessments for this variant to ClinVar after 2014. Based on the evidence outlined above, the variant was classified as likely pathogenic.